The following is an entry in ClinVar:

NM_001283009.2(RTEL1):c.1890dup (p.Leu631fs)

Genes: RTEL1 (regulator of telomere elongation helicase 1; plus strand), RTEL1-TNFRSF6B (RTEL1-TNFRSF6B readthrough (NMD candidate); plus strand). Cytogenetic location: 20q13.33.
Variant type: Duplication.
Coding change: c.1890dup on transcript NM_001283009.2 (MANE Select); coding-DNA position 1890, one base duplicated (G; older notation c.1890dupG).
Protein change: p.Leu631fs; shifts the reading frame from leucine 631.
Molecular consequence: frameshift variant. On other transcripts: non-coding transcript variant (1).
Genome position (GRCh38, 1-based): chr20:63,689,513, G duplicated; the last of 4 consecutive G bases (chr20:63,689,510-63,689,513); duplicating any one gives the same sequence. VCF-style (leftmost placement, unchanged base first): chr20-63689509-A-AG. GRCh37 (hg19) VCF-style: chr20-62320862-A-AG.
Other names: c.1221dup, p.Leu408fs (NM_001283010.1); c.1890dup, p.Leu631fs (NM_016434.4); c.1962dup, p.Leu655fs (NM_032957.5); short protein forms L408fs, L655fs, L631fs.
Identifiers: ClinVar variation 1358040 (VCV001358040.6), dbSNP rs2145427564, ClinGen allele CA2573157220.

ClinVar aggregate classification (germline): Pathogenic (1 of 4 stars; one submission).

Conditions:
Dyskeratosis congenita, autosomal recessive 5 (DKCB5). Identifiers: MedGen C3554656, MONDO:0014076, OMIM 615190.
Pulmonary fibrosis and/or bone marrow failure, Telomere-related, 3. Also called: PULMONARY FIBROSIS AND/OR BONE MARROW FAILURE SYNDROME, TELOMERE-RELATED, 3. Identifiers: Orphanet 2032, MedGen C4225346, MONDO:0014613, OMIM 616373.

Submission:

Labcorp Genetics (formerly Invitae), Labcorp
Classification: Pathogenic for Dyskeratosis congenita, autosomal recessive 5; Pulmonary fibrosis and/or bone marrow failure, Telomere-related, 3. Last evaluated: 2021-05-18. Review status: criteria provided, single submitter. Criteria: Invitae Variant Classification Sherloc (09022015). Collection method: clinical testing. Allele origin: germline.
Comment: This sequence change creates a premature translational stop signal (p.Leu631Alafs*35) in the RTEL1 gene. It is expected to result in an absent or disrupted protein product. Loss-of-function variants in RTEL1 are known to be pathogenic (PMID: 23453664, 23959892, 25607374). This variant is not present in population databases (ExAC no frequency). This variant has not been reported in the literature in individuals with RTEL1-related conditions. For these reasons, this variant has been classified as Pathogenic.

Literature cited by the submitters: PubMed 23453664; PubMed 23959892; PubMed 25607374.